The following is an entry in ClinVar:

ClinVar aggregate classification (germline): Likely pathogenic (1 of 4 stars; one submission).

Submission:

GeneDx
Classification: Likely pathogenic. Last evaluated: 2024-07-03. Review status: criteria provided, single submitter. Criteria: GeneDx Variant Classification Process June 2021. Collection method: clinical testing. Allele origin: germline. Affected: yes.
Comment: Identified in patients with clinical features of a TRAF7-related disorder referred for genetic testing at GeneDx and in published literature (PMID: 33057194); Not observed at significant frequency in large population cohorts (gnomAD); In silico analysis supports that this missense variant has a deleterious effect on protein structure/function; This variant is associated with the following publications: (PMID: 35982159, 33057194)

NM_032271.3(TRAF7):c.1553G>T (p.Gly518Val)

Gene: TRAF7 (TNF receptor associated factor 7; plus strand). Cytogenetic location: 16p13.3.
Variant type: single nucleotide variant.
Coding change: c.1553G>T on transcript NM_032271.3 (MANE Select); coding-DNA position 1553, G replaced by T.
Protein change: p.Gly518Val; replaces glycine 518 with valine.
Molecular consequence: missense variant.
Genome position (GRCh38, 1-based): chr16:2,175,549, G>T. VCF-style: chr16-2175549-G-T. GRCh37 (hg19) VCF-style: chr16-2225550-G-T.
Other names: short protein forms G518V.
Identifiers: ClinVar variation 3393577 (VCV003393577.1).